The following is an entry in ClinVar:

NM_181552.4(CUX1):c.2063-8C>T

Gene: CUX1 (cut like homeobox 1; plus strand). Cytogenetic location: 7q22.1.
Variant type: single nucleotide variant.
Coding change: c.2063-8C>T on transcript NM_181552.4 (MANE Select); 8 bases into the intron before coding-DNA position 2063, C replaced by T.
Molecular consequence: intron variant.
Genome position (GRCh38, 1-based): chr7:102,201,352, C>T. VCF-style: chr7-102201352-C-T. GRCh37 (hg19) VCF-style: chr7-101844632-C-T.
Other names: c.1255+5749C>T (NM_001913.5); c.1249+5749C>T (NM_181500.4); c.1117+5749C>T (NM_001202545.3); c.1207+5749C>T (NM_001202544.3); c.1138+5749C>T (NM_001202546.3); c.2096-8C>T (NM_001202543.2).
Identifiers: ClinVar variation 717725 (VCV000717725.39), dbSNP rs201396561, ClinGen allele CA4410977.
Genomic context (GRCh38, chr7:102,201,352, plus strand): 5'-GATGAGAAGCATGTCCCCAGCTGAAGGGGGCCGCCCTGCCACACTCTCACCCCTGTTTCT[C>T]CATGCAGCAGAGCCGGCCCAGCCTTCCTCCGCATCCGGCAGCGGGAACTCTGATGACGCC-3'

ClinVar aggregate classification (germline): Benign/Likely benign. Review status: criteria provided, multiple submitters, no conflicts (2 of 4 stars). 3 submissions from 3 submitters: Benign (2); Likely benign (1). Last evaluated 2026-10-01.

Allele frequency attached by ClinVar (database versions not stated): 1000 Genomes Project 30x 0.00062; 1000 Genomes Project 0.00080; ExAC 0.00181; gnomAD 0.00218 and 0.00222; TOPMed 0.00219; ESP Exome Variant Server 0.00246.
gnomAD v4.1: 5,247 of 1,610,000 alleles (0.33%); highest among the groups gnomAD compares: Non-Finnish European, 0.41%; 11 homozygotes.

Submissions (3):

CeGaT Center for Human Genetics Tuebingen
Classification: Likely benign. Last evaluated: 2026-10-01. Review status: criteria provided, single submitter. Criteria: CeGaT Center For Human Genetics Tuebingen Variant Classification Criteria Version 2. Collection method: clinical testing. Allele origin: germline. Affected: yes. Observed: 13 variant alleles.
Comment: CUX1: BP4, BS1

Blueprint Genetics
Classification: Benign. Last evaluated: 2024-11-25. Review status: criteria provided, single submitter. Criteria: ACMG Guidelines, 2015. Collection method: clinical testing. Allele origin: germline.

Labcorp Genetics (formerly Invitae), Labcorp
Classification: Benign. Last evaluated: 2019-12-31. Review status: criteria provided, single submitter. Criteria: Invitae Variant Classification Sherloc (09022015). Collection method: clinical testing. Allele origin: germline.